The following is an entry in ClinVar:

ClinVar aggregate classification (germline): Uncertain significance (1 of 4 stars; one submission).

gnomAD v4.1: 2 of 1,608,324 alleles (0.00012%); highest among the groups gnomAD compares: Non-Finnish European, 0.00017%; no homozygotes.

Submission:

CeGaT Center for Human Genetics Tuebingen
Classification: Uncertain significance. Last evaluated: 2025-09-01. Review status: criteria provided, single submitter. Criteria: CeGaT Center For Human Genetics Tuebingen Variant Classification Criteria Version 2. Collection method: clinical testing. Allele origin: germline. Affected: yes. Observed: 1 variant allele.
Comment: TNRC6B: PM2

NM_001162501.2(TNRC6B):c.3203A>G (p.Asn1068Ser)

Gene: TNRC6B (trinucleotide repeat containing adaptor 6B; plus strand). Cytogenetic location: 22q13.1.
Variant type: single nucleotide variant.
Coding change: c.3203A>G on transcript NM_001162501.2 (MANE Select); coding-DNA position 3203, A replaced by G.
Protein change: p.Asn1068Ser; replaces asparagine 1068 with serine.
Molecular consequence: missense variant.
Genome position (GRCh38, 1-based): chr22:40,277,138, A>G. VCF-style: chr22-40277138-A-G. GRCh37 (hg19) VCF-style: chr22-40673142-A-G.
Other names: c.962A>G, p.Asn321Ser (NM_001024843.2); c.3044A>G, p.Asn1015Ser (NM_015088.3); short protein forms N1015S, N1068S, N321S.
Identifiers: ClinVar variation 4281030 (VCV004281030.7).